The following is an entry in ClinVar:

ClinVar aggregate classification (germline): Conflicting classifications of pathogenicity. Review status: criteria provided, conflicting classifications (1 of 4 stars). 3 submissions from 3 submitters: Uncertain significance (2); Likely benign (1). Last evaluated 2026-01-06.

Conditions:
Emery-Dreifuss muscular dystrophy 5, autosomal dominant (EDMD5). Also called: EMERY-DREIFUSS MUSCULAR DYSTROPHY 5. Identifiers: Orphanet 261, MedGen C2751805, MONDO:0013072, OMIM 612999.

Allele frequency attached by ClinVar (database versions not stated): ExAC 0.00004; gnomAD exomes 0.00006 and 0.00010; gnomAD 0.00013 and 0.00014; TOPMed 0.00018.
gnomAD v4.1: 175 of 1,613,886 alleles (0.011%); highest among the groups gnomAD compares: Admixed American, 0.025%; 1 homozygote.

Submissions (3):

Labcorp Genetics (formerly Invitae), Labcorp
Classification: Uncertain significance for Emery-Dreifuss muscular dystrophy 5, autosomal dominant. Last evaluated: 2026-01-06. Review status: criteria provided, single submitter. Criteria: Invitae Variant Classification Sherloc (09022015). Collection method: clinical testing. Allele origin: germline.
Comment: This sequence change replaces isoleucine, which is neutral and non-polar, with methionine, which is neutral and non-polar, at codon 4858 of the SYNE2 protein (p.Ile4858Met). This variant is present in population databases (rs568071525, gnomAD 0.01%). This variant has not been reported in the literature in individuals affected with SYNE2-related conditions. ClinVar contains an entry for this variant (Variation ID: 882920). An algorithm developed to predict the effect of missense changes on protein structure and function outputs the following: PolyPhen-2: "Benign". The methionine amino acid residue is found in multiple mammalian species, which suggests that this missense change does not adversely affect protein function. In summary, the available evidence is currently insufficient to determine the role of this variant in disease. Therefore, it has been classified as a Variant of Uncertain Significance.

Ambry Genetics
Classification: Uncertain significance. Last evaluated: 2024-01-22. Review status: criteria provided, single submitter. Criteria: Ambry Variant Classification Scheme 2023. Collection method: clinical testing. Allele origin: germline.

Illumina Laboratory Services, Illumina
Classification: Likely benign for Emery-Dreifuss muscular dystrophy 5, autosomal dominant. Last evaluated: 2018-01-12. Review status: criteria provided, single submitter. Criteria: ICSL Variant Classification Criteria 13 December 2019. Collection method: clinical testing. Allele origin: germline.
Comment: This variant was observed in the ICSL laboratory as part of a predisposition screen in an ostensibly healthy population. It had not been previously curated by ICSL or reported in the Human Gene Mutation Database (HGMD: prior to June 1st, 2018), and was therefore a candidate for classification through an automated scoring system. Utilizing variant allele frequency, disease prevalence and penetrance estimates, and inheritance mode, an automated score was calculated to assess if this variant is too frequent to cause the disease. Based on the score and internal cut-off values, a variant classified as likely benign is not then subjected to further curation. The score for this variant resulted in a classification of likely benign for this disease.

NM_182914.3(SYNE2):c.14574A>G (p.Ile4858Met)

Gene: SYNE2 (spectrin repeat containing nuclear envelope protein 2; plus strand). Cytogenetic location: 14q23.2.
Variant type: single nucleotide variant.
Coding change: c.14574A>G on transcript NM_182914.3 (MANE Select); coding-DNA position 14574, A replaced by G.
Protein change: p.Ile4858Met; replaces isoleucine 4858 with methionine.
Molecular consequence: missense variant.
Genome position (GRCh38, 1-based): chr14:64,134,128, A>G. VCF-style: chr14-64134128-A-G. GRCh37 (hg19) VCF-style: chr14-64600846-A-G.
Other names: c.14574A>G, p.Ile4858Met (NM_015180.6); short protein forms I4858M.
Identifiers: ClinVar variation 882920 (VCV000882920.14), dbSNP rs568071525, ClinGen allele CA7222819.
Genomic context (GRCh38, chr14:64,134,128, plus strand): 5'-GAAATGGGAAGAATTTGATGAAAACTATGCATCTCTTGAAAAGGACCTGGAAATTCTTAT[A>G]TCTACATTGCCCTCTGTGAGTTTGGTGGAAGAAACAGAGGAAAGATTAGTGGAAAGGATT-3'
Protein context (NP_878918.2, residues 4848-4868): ASLEKDLEIL[Ile4858Met]STLPSVSLVE